The following is an entry in ClinVar:

ClinVar aggregate classification (germline): Uncertain significance. Review status: criteria provided, multiple submitters, no conflicts (2 of 4 stars). 2 submissions from 2 submitters: Uncertain significance (2). Last evaluated 2025-12-22.

Conditions:
Ataxia-telangiectasia-like disorder (ATLD). Identifiers: MedGen C1858391, MONDO:0011457.
Hereditary cancer-predisposing syndrome. Also called: Tumor predisposition; Hereditary Cancer Syndrome; Neoplastic Syndromes, Hereditary; Hereditary neoplastic syndrome. Identifiers: Orphanet 140162, MedGen C0027672, MeSH D009386, MONDO:0015356.

Allele frequency attached by ClinVar (database versions not stated): TOPMed 0.00001.

Submissions (2):

Ambry Genetics
Classification: Uncertain significance for Hereditary cancer-predisposing syndrome. Last evaluated: 2025-12-22. Review status: criteria provided, single submitter. Criteria: Ambry Variant Classification Scheme 2023. Collection method: clinical testing. Allele origin: germline.
Comment: The p.V17I variant (also known as c.49G>A), located in coding exon 2 of the MRE11A gene, results from a G to A substitution at nucleotide position 49. The valine at codon 17 is replaced by isoleucine, an amino acid with highly similar properties. This amino acid position is conserved. In addition, this alteration is predicted to be tolerated by in silico analysis. Based on the available evidence, the clinical significance of this variant remains unclear.

Labcorp Genetics (formerly Invitae), Labcorp
Classification: Uncertain significance for Ataxia-telangiectasia-like disorder. Last evaluated: 2017-10-11. Review status: criteria provided, single submitter. Criteria: Invitae Variant Classification Sherloc (09022015). Collection method: clinical testing. Allele origin: germline.
Comment: Algorithms developed to predict the effect of missense changes on protein structure and function (SIFT, PolyPhen-2, Align-GVGD) all suggest that this variant is likely to be tolerated, but these predictions have not been confirmed by published functional studies and their clinical significance is uncertain. This sequence change replaces valine with isoleucine at codon 17 of the MRE11 protein (p.Val17Ile). The valine residue is moderately conserved and there is a small physicochemical difference between valine and isoleucine. This variant is not present in population databases (ExAC no frequency). This variant has not been reported in the literature in individuals with MRE11-related disease. In summary, the available evidence is currently insufficient to determine the role of this variant in disease. Therefore, it has been classified as a Variant of Uncertain Significance.

NM_005591.4(MRE11):c.49G>A (p.Val17Ile)

Gene: MRE11 (MRE11 double strand break repair nuclease; minus strand). Cytogenetic location: 11q21.
Variant type: single nucleotide variant.
Coding change: c.49G>A on transcript NM_005591.4 (MANE Select); coding-DNA position 49, G replaced by A.
Protein change: p.Val17Ile; replaces valine 17 with isoleucine.
Molecular consequence: missense variant.
Genome position (GRCh38, 1-based): chr11:94,490,937, C>T on the plus strand (G>A on the coding strand, the complement: MRE11 is on the minus strand). VCF-style: chr11-94490937-C-T. GRCh37 (hg19) VCF-style: chr11-94224103-C-T.
Other names: c.49G>A, p.Val17Ile (NM_001330347.2, NM_005590.4); short protein forms V17I.
Identifiers: ClinVar variation 534766 (VCV000534766.11), dbSNP rs1060501790, ClinGen allele CA382381043.